The following is an entry in ClinVar:

NM_001037333.3(CYFIP2):c.720C>G (p.Asp240Glu)

Gene: CYFIP2 (cytoplasmic FMR1 interacting protein 2; plus strand). Cytogenetic location: 5q33.3.
Variant type: single nucleotide variant.
Coding change: c.720C>G on transcript NM_001037333.3 (MANE Select); coding-DNA position 720, C replaced by G.
Protein change: p.Asp240Glu; replaces aspartic acid 240 with glutamic acid.
Molecular consequence: missense variant.
Genome position (GRCh38, 1-based): chr5:157,304,291, C>G. VCF-style: chr5-157304291-C-G. GRCh37 (hg19) VCF-style: chr5-156731299-C-G.
Other names: c.642C>G, p.Asp214Glu (NM_001291721.2); c.720C>G, p.Asp240Glu (NM_001291722.2, NM_014376.4); short protein forms D240E, D214E.
Identifiers: ClinVar variation 2258650 (VCV002258650.6), dbSNP rs1759029929, ClinGen allele CA361967219.
Genomic context (GRCh38, chr5:157,304,291, plus strand): 5'-TGTTCAGTGTCTCCACCAGCAACTTGAAGTGATCCCAGGCTATGAGGAGCTGCTGGCTGA[C>G]ATTGTCAACATCTGTGTGGATTACTACGAGAACAAGATGTACCTGACTCCCAGTGAGAAA-3'
Protein context (NP_001032410.1, residues 230-250): VIPGYEELLA[Asp240Glu]IVNICVDYYE

ClinVar aggregate classification (germline): Conflicting classifications of pathogenicity. Review status: criteria provided, conflicting classifications (1 of 4 stars). 3 submissions from 3 submitters: Uncertain significance (2); Likely benign (1). Last evaluated 2024-06-11.

Conditions:
Inborn genetic diseases. Identifiers: MedGen C0950123, MeSH D030342.

Allele frequency attached by ClinVar (database versions not stated): TOPMed below 0.00001.

Submissions (3):

Greenwood Genetic Center Diagnostic Laboratories, Greenwood Genetic Center
Classification: Uncertain significance. Last evaluated: 2024-06-11. Review status: criteria provided, single submitter. Criteria: ACMG Guidelines, 2015. Collection method: clinical testing. Allele origin: germline. Affected: yes.
Comment: PM2, BP4, PP2

Labcorp Genetics (formerly Invitae), Labcorp
Classification: Likely benign. Last evaluated: 2024-01-02. Review status: criteria provided, single submitter. Criteria: Invitae Variant Classification Sherloc (09022015). Collection method: clinical testing. Allele origin: germline.

Ambry Genetics
Classification: Uncertain significance for Inborn genetic diseases. Last evaluated: 2021-10-29. Review status: criteria provided, single submitter. Criteria: Ambry Variant Classification Scheme 2023. Collection method: clinical testing. Allele origin: germline.